The following is an entry in ClinVar:

ClinVar aggregate classification (germline): Likely benign (1 of 4 stars; one submission).

Allele frequency attached by ClinVar (database versions not stated): ExAC 0.00042; 1000 Genomes Project 0.00100; 1000 Genomes Project 30x 0.00265.

Submission:

CeGaT Center for Human Genetics Tuebingen
Classification: Likely benign. Last evaluated: 2024-01-01. Review status: criteria provided, single submitter. Criteria: CeGaT Center For Human Genetics Tuebingen Variant Classification Criteria Version 2. Collection method: clinical testing. Allele origin: germline. Affected: yes. Observed: 1 variant allele.
Comment: ZNF343: BP4, BP7

NM_024325.6(ZNF343):c.1425T>C (p.Ser475=)

Gene: ZNF343 (zinc finger protein 343; minus strand). Cytogenetic location: 20p13.
Variant type: single nucleotide variant.
Coding change: c.1425T>C on transcript NM_024325.6 (MANE Select); coding-DNA position 1425, T replaced by C.
Protein change: p.Ser475=; no amino-acid change (serine 475 retained).
Molecular consequence: synonymous variant.
Genome position (GRCh38, 1-based): chr20:2,483,536, A>G on the plus strand (T>C on the coding strand, the complement: ZNF343 is on the minus strand). VCF-style: chr20-2483536-A-G. GRCh37 (hg19) VCF-style: chr20-2464182-A-G.
Other names: c.1425T>C, p.Ser475= (NM_001282495.1, NM_001282496.2, NM_001321800.2); c.1548T>C, p.Ser516= (NM_001282497.2, NM_001321801.2); c.1155T>C, p.Ser385= (NM_001282498.2); c.1545T>C, p.Ser515= (NM_001321802.2, NM_001321803.2); c.1422T>C, p.Ser474= (NM_001321805.2).
Identifiers: ClinVar variation 3025039 (VCV003025039.22), dbSNP rs528685225, ClinGen allele CA9732711.